The following is an entry in ClinVar:

ClinVar aggregate classification (germline): Conflicting classifications of pathogenicity. Review status: criteria provided, conflicting classifications (1 of 4 stars). 6 submissions from 6 submitters: Pathogenic (3); Uncertain significance (3). Last evaluated 2026-01-26.

Conditions:
Mitochondrial complex IV deficiency, nuclear type 17. Also called: Mitochondrial complex 4 deficiency, nuclear type 17. Identifiers: MedGen C5436718, MONDO:0033652, OMIM 619061.
Mitochondrial complex IV deficiency, nuclear type 1 (MC4DN1). Also called: COX DEFICIENCY; Mitochondrial complex IV deficiency; Complex 4 mitochondrial respiratory chain deficiency; Deficiency of mitochondrial respiratory chain complex4; Complex IV deficiency. Identifiers: MedGen C5435656, MONDO:0700250, OMIM 220110. Disease mechanism: loss of function.
Inborn genetic diseases. Identifiers: MedGen C0950123, MeSH D030342.

Submissions (6):

Labcorp Genetics (formerly Invitae), Labcorp
Classification: Pathogenic. Last evaluated: 2026-01-26. Review status: criteria provided, single submitter. Criteria: Invitae Variant Classification Sherloc (09022015). Collection method: clinical testing. Allele origin: germline.
Comment: This sequence change creates a premature translational stop signal (p.Arg11Alafs*57) in the APOPT1 gene. It is expected to result in an absent or disrupted protein product. Loss-of-function variants in APOPT1 are known to be pathogenic (PMID: 25175347). This variant is present in population databases (rs559856575, gnomAD 0.06%). This variant has not been reported in the literature in individuals affected with APOPT1-related conditions. ClinVar contains an entry for this variant (Variation ID: 1030024). For these reasons, this variant has been classified as Pathogenic.

Blueprint Genetics
Classification: Uncertain significance. Last evaluated: 2024-06-12. Review status: criteria provided, single submitter. Criteria: ACMG Guidelines, 2015. Collection method: clinical testing. Allele origin: germline.

GeneDx
Classification: Uncertain significance. Last evaluated: 2022-08-06. Review status: criteria provided, single submitter. Criteria: GeneDx Variant Classification Process June 2021. Collection method: clinical testing. Allele origin: germline. Affected: yes.
Comment: Frameshift variant predicted to result in protein truncation or nonsense mediated decay in a gene for which loss-of-function is a known mechanism of disease; Has not been previously published as pathogenic or benign to our knowledge

Ambry Genetics
Classification: Uncertain significance for Inborn genetic diseases. Last evaluated: 2022-02-04. Review status: criteria provided, single submitter. Criteria: Ambry Variant Classification Scheme 2023. Collection method: clinical testing. Allele origin: germline.
Comment: The c.30dupG (p.R11Afs*57) alteration, located in exon 1 (coding exon 1) of the APOPT1 gene, consists of a duplication of G at position 30, causing a translational frameshift with a predicted alternate stop codon after 57 amino acids. This alteration is expected to result in loss of function by premature protein truncation or nonsense-mediated mRNA decay. Based on insufficient or conflicting evidence, the clinical significance of this alteration remains unclear.

3billion
Classification: Pathogenic for Mitochondrial complex IV deficiency, nuclear type 17. Last evaluated: 2022-01-03. Review status: criteria provided, single submitter. Criteria: ACMG Guidelines, 2015. Collection method: clinical testing. Allele origin: germline. Affected: yes. Observed: 1 heterozygote.
Comment: The variant has been reported to be associated with COA8 related disorder (ClinVar ID: VCV001030024). Frameshift: predicted to result in a loss or disruption of normal protein function through nonsense-mediated decay (NMD) or protein truncation. Multiple pathogenic variants are reported downstream of the variant (PVS1_VS). It is observed at an extremely low frequency in the gnomAD v2.1.1 dataset (total allele frequency: 0.000072, PM2_M). Therefore, this variant is classified as pathogenic according to the recommendation of ACMG/AMP guideline.

Baylor Genetics
Classification: Pathogenic for Mitochondrial complex IV deficiency, nuclear type 1. Last evaluated: 2019-02-26. Review status: criteria provided, single submitter. Criteria: ACMG Guidelines, 2015. Collection method: clinical testing. Allele origin: maternal. Affected: yes.
Comment: This variant was determined to be pathogenic according to ACMG Guidelines, 2015 [PMID:25741868].

Literature cited by the submitters: PubMed 25175347 (cited by Labcorp Genetics (formerly Invitae), Labcorp).

NM_001370595.2(COA8):c.-10dup

Gene: COA8 (cytochrome c oxidase assembly factor 8; plus strand). Cytogenetic location: 14q32.33.
Variant type: Duplication.
Coding change: c.-10dup on transcript NM_001370595.2 (MANE Select); 10 bases upstream of the start codon, one base duplicated (G; older notation c.-10dupG).
Molecular consequence: 5 prime UTR variant. On other transcripts: non-coding transcript variant (2).
Genome position (GRCh38, 1-based): chr14:103,562,992, G duplicated; the last of 5 consecutive G bases (chr14:103,562,988-103,562,992); duplicating any one gives the same sequence. VCF-style (leftmost placement, unchanged base first): chr14-103562987-A-AG. GRCh37 (hg19) VCF-style: chr14-104029324-A-AG.
Other names: c.30dupG (NM_032374.3); c.30dup (NM_032374.4); c.-10dup (NM_001302653.2, NM_001302654.2).
Identifiers: ClinVar variation 1030024 (VCV001030024.9), dbSNP rs559856575, ClinGen allele CA7365371.